The following is an entry in ClinVar:

NM_000179.3(MSH6):c.2268A>C (p.Gly756=)

Gene: MSH6 (mutS homolog 6; plus strand). Cytogenetic location: 2p16.3.
Variant type: single nucleotide variant.
Coding change: c.2268A>C on transcript NM_000179.3 (MANE Select); coding-DNA position 2268, A replaced by C.
Protein change: p.Gly756=; no amino-acid change (glycine 756 retained).
Molecular consequence: synonymous variant.
Genome position (GRCh38, 1-based): chr2:47,800,251, A>C. VCF-style: chr2-47800251-A-C. GRCh37 (hg19) VCF-style: chr2-48027390-A-C.
Other names: c.1878A>C, p.Gly626= (NM_001281492.2); c.1362A>C, p.Gly454= (NM_001281493.2, NM_001281494.2).
Identifiers: ClinVar variation 219913 (VCV000219913.25), dbSNP rs142246608, ClinGen allele CA068692.
Genomic context (GRCh38, chr2:47,800,251, plus strand): 5'-TGCAGTGACATTAAACAACTTGGAGATTTTTCTGAATGGAACAAATGGTTCTACTGAAGG[A>C]ACCCTACTAGAGAGGGTTGATACTTGCCATACTCCTTTTGGTAAGCGGCTCCTAAAGCAA-3'
Protein context (NP_000170.1, residues 746-766): FLNGTNGSTE[Gly756=]TLLERVDTCH

ClinVar aggregate classification (germline): Benign/Likely benign. Review status: criteria provided, multiple submitters, no conflicts (2 of 4 stars). 8 submissions from 8 submitters: Benign (2); Likely benign (6). Last evaluated 2025-09-16.

Conditions:
MSH6-related disorder. Also called: MSH6-related condition; MSH6-Related disorders.
Hereditary nonpolyposis colorectal neoplasms. Identifiers: MedGen C0009405, MeSH D003123.
Hereditary cancer-predisposing syndrome. Also called: Neoplastic Syndromes, Hereditary; Tumor predisposition; Hereditary Cancer Syndrome; Hereditary neoplastic syndrome. Identifiers: Orphanet 140162, MedGen C0027672, MeSH D009386, MONDO:0015356.
Lynch syndrome. Identifiers: Orphanet 144, MedGen C4552100, MONDO:0005835. Disease mechanism: loss of function.
Lynch syndrome 5 (LYNCH5). Also called: Colorectal cancer, hereditary nonpolyposis, type 5; Hereditary non-polyposis colorectal cancer, type 5. Identifiers: Orphanet 144, MedGen C1833477, MONDO:0013710, OMIM 614350. Disease mechanism: loss of function.

gnomAD v4.1: 47 of 1,614,212 alleles (0.0029%); highest among the groups gnomAD compares: Non-Finnish European, 0.0038%; no homozygotes.

Submissions (8):

Labcorp Genetics (formerly Invitae), Labcorp
Classification: Likely benign for Hereditary nonpolyposis colorectal neoplasms. Last evaluated: 2025-09-16. Review status: criteria provided, single submitter. Criteria: Invitae Variant Classification Sherloc (09022015). Collection method: clinical testing. Allele origin: germline.

PreventionGenetics, part of Exact Sciences
Classification: Likely benign for MSH6-related condition. Last evaluated: 2025-06-18. Review status: criteria provided, single submitter. Criteria: ACMG Guidelines, 2015. Collection method: clinical testing. Allele origin: germline.
Comment: This variant is classified as likely benign based on ACMG/AMP sequence variant interpretation guidelines (Richards et al. 2015 PMID: 25741868, with internal and published modifications).

Myriad Genetics, Inc.
Classification: Benign for Lynch syndrome 5. Last evaluated: 2024-12-30. Review status: criteria provided, single submitter. Criteria: Myriad Autosomal Dominant, Autosomal Recessive and X-Linked Classification Criteria (2023). Collection method: clinical testing. Allele origin: unknown.
Comment: This variant is considered benign. This variant is a silent/synonymous amino acid change and it is not expected to impact splicing.

All of Us Research Program, National Institutes of Health
Classification: Likely benign for Lynch syndrome. Last evaluated: 2023-11-20. Review status: criteria provided, single submitter. Criteria: ACMG Guidelines, 2015. Collection method: clinical testing. Allele origin: germline. Inheritance: Autosomal dominant inheritance. Observed: 3 variant alleles, 3 heterozygotes.
Comment: This study involves interpretation of variants in research participants for the purpose of population health screening. Participant phenotype was not available at the time of variant classification. Additional details can be found in publication PMID: 35346344, PMCID: PMC8962531

Quest Diagnostics Nichols Institute San Juan Capistrano
Classification: Likely benign. Last evaluated: 2019-05-17. Review status: criteria provided, single submitter. Criteria: Quest Diagnostics criteria. Collection method: clinical testing. Allele origin: germline.

Ambry Genetics
Classification: Likely benign for Hereditary cancer-predisposing syndrome. Last evaluated: 2016-03-17. Review status: criteria provided, single submitter. Criteria: Ambry Variant Classification Scheme 2023. Collection method: clinical testing. Allele origin: germline.

Color Diagnostics, LLC DBA Color Health
Classification: Likely benign for Hereditary cancer-predisposing syndrome. Last evaluated: 2015-04-23. Review status: criteria provided, single submitter. Criteria: ACMG Guidelines, 2015. Collection method: clinical testing. Allele origin: germline.

GeneDx
Classification: Benign. Last evaluated: 2015-03-03. Review status: criteria provided, single submitter. Criteria: GeneDx Variant Classification Process June 2021. Collection method: clinical testing. Allele origin: germline. Affected: yes.

Literature cited by the submitters: PubMed 23047549 (cited by Quest Diagnostics Nichols Institute San Juan Capistrano).